The following is an entry in ClinVar:

ClinVar aggregate classification (germline): Uncertain significance (1 of 4 stars; one submission).

Conditions:
Fanconi anemia (FA). Also called: Fanconi's anemia. Identifiers: Orphanet 84, MedGen C0015625, MeSH D005199, MONDO:0019391.

Allele frequency attached by ClinVar (database versions not stated): gnomAD exomes below 0.00001; ExAC 0.00001.
gnomAD v4.1: 1 of 1,614,080 alleles (0.000062%); highest among the groups gnomAD compares: Admixed American, 0.0017%; no homozygotes.

Submission:

Labcorp Genetics (formerly Invitae), Labcorp
Classification: Uncertain significance for Fanconi anemia. Last evaluated: 2023-12-02. Review status: criteria provided, single submitter. Criteria: Invitae Variant Classification Sherloc (09022015). Collection method: clinical testing. Allele origin: germline.
Comment: This sequence change replaces leucine, which is neutral and non-polar, with histidine, which is basic and polar, at codon 207 of the FANCI protein (p.Leu207His). This variant is present in population databases (rs765227166, gnomAD 0.003%). This variant has not been reported in the literature in individuals affected with FANCI-related conditions. Advanced modeling of protein sequence and biophysical properties (such as structural, functional, and spatial information, amino acid conservation, physicochemical variation, residue mobility, and thermodynamic stability) performed at Invitae indicates that this missense variant is expected to disrupt FANCI protein function with a positive predictive value of 80%. In summary, the available evidence is currently insufficient to determine the role of this variant in disease. Therefore, it has been classified as a Variant of Uncertain Significance.

NM_001113378.2(FANCI):c.620T>A (p.Leu207His)

Gene: FANCI (FA complementation group I; plus strand). Cytogenetic location: 15q26.1.
Variant type: single nucleotide variant.
Coding change: c.620T>A on transcript NM_001113378.2 (MANE Select); coding-DNA position 620, T replaced by A.
Protein change: p.Leu207His; replaces leucine 207 with histidine.
Molecular consequence: missense variant.
Genome position (GRCh38, 1-based): chr15:89,263,977, T>A. VCF-style: chr15-89263977-T-A. GRCh37 (hg19) VCF-style: chr15-89807208-T-A.
Other names: c.341T>A, p.Leu114His (NM_001376910.1); c.620T>A, p.Leu207His (NM_001376911.1, NM_018193.3); short protein forms L207H, L114H.
Identifiers: ClinVar variation 3019161 (VCV003019161.3), dbSNP rs765227166, ClinGen allele CA7722702.
Genomic context (GRCh38, chr15:89,263,977, plus strand): 5'-CTGCAGAAGAGGTGGAATTTGTGGTGGAAAAAGCATTGAGCATGTTCTCCAAGATGAATC[T>A]TCAAGAAATACCACCTTTGGTCTATCAGCTTCTGGTTCTCTCCTCCAAGGTACAAATGGA-3'
Protein context (NP_001106849.1, residues 197-217): KALSMFSKMN[Leu207His]QEIPPLVYQL